The following is an entry in ClinVar:

NM_005685.4(GTF2IRD1):c.321C>T (p.Gly107=)

Gene: GTF2IRD1 (GTF2I repeat domain containing 1; plus strand). Cytogenetic location: 7q11.23.
Variant type: single nucleotide variant.
Coding change: c.321C>T on transcript NM_005685.4 (MANE Select); coding-DNA position 321, C replaced by T.
Protein change: p.Gly107=; no amino-acid change (glycine 107 retained).
Molecular consequence: synonymous variant.
Genome position (GRCh38, 1-based): chr7:74,515,496, C>T. VCF-style: chr7-74515496-C-T. GRCh37 (hg19) VCF-style: chr7-73929826-C-T.
Other names: NC_000007.13:g.73929826C>T; c.417C>T, p.Gly139= (NM_001199207.2); c.321C>T, p.Gly107= (NM_001410888.1, NM_016328.3).
Identifiers: ClinVar variation 3387882 (VCV003387882.15).
Genomic context (GRCh38, chr7:74,515,496, plus strand): 5'-CACAGGAGGGCCCCCGTGGAAGGATCCGGAGGCAGAGCACCCCAAGAAGGTGCAGCGGGG[C>T]GAGGGTGGAGGCCGTAGCCTCCCTCGGTCCTCCCTGGAACATGGCTCAGATGTGTACCTT-3'
Protein context (NP_005676.3, residues 97-117): EAEHPKKVQR[Gly107=]EGGGRSLPRS

ClinVar aggregate classification (germline): Benign (1 of 4 stars; one submission).

gnomAD v4.1: 22,516 of 1,612,204 alleles (1.4%); highest among the groups gnomAD compares: Middle Eastern, 2.6%; 237 homozygotes.

Submissions (34):

CeGaT Center for Human Genetics Tuebingen
Classification: Benign. Last evaluated: 2026-08-01. Review status: criteria provided, single submitter. Criteria: CeGaT Center For Human Genetics Tuebingen Variant Classification Criteria Version 2. Collection method: clinical testing. Allele origin: germline. Affected: yes. Observed: 13 variant alleles.
Comment: GTF2IRD1: BP4, BP7, BS1, BS2

Dr. Peter K. Rogan Lab, Western University
No classification provided (evidence only). Condition: Clear cell carcinoma of kidney. Review status: no classification provided. Collection method: in vitro. Allele origin: not applicable. Functional consequence: skipped exon. Not counted in ClinVar's aggregate classification.

Dr. Peter K. Rogan Lab, Western University
No classification provided (evidence only). Condition: Clear cell carcinoma of kidney. Review status: no classification provided. Collection method: in vitro. Allele origin: not applicable. Functional consequence: skipped exon. Not counted in ClinVar's aggregate classification.

Dr. Peter K. Rogan Lab, Western University
No classification provided (evidence only). Condition: Clear cell carcinoma of kidney. Review status: no classification provided. Collection method: in vitro. Allele origin: not applicable. Functional consequence: skipped exon. Not counted in ClinVar's aggregate classification.

Dr. Peter K. Rogan Lab, Western University
No classification provided (evidence only). Condition: Clear cell carcinoma of kidney. Review status: no classification provided. Collection method: in vitro. Allele origin: not applicable. Functional consequence: retained intron. Not counted in ClinVar's aggregate classification.

Dr. Peter K. Rogan Lab, Western University
No classification provided (evidence only). Condition: Clear cell carcinoma of kidney. Review status: no classification provided. Collection method: in vitro. Allele origin: not applicable. Functional consequence: skipped exon. Not counted in ClinVar's aggregate classification.

Dr. Peter K. Rogan Lab, Western University
No classification provided (evidence only). Condition: Melanoma. Review status: no classification provided. Collection method: in vitro. Allele origin: not applicable. Functional consequence: skipped exon. Not counted in ClinVar's aggregate classification.

Dr. Peter K. Rogan Lab, Western University
No classification provided (evidence only). Condition: Familial cancer of breast. Review status: no classification provided. Collection method: in vitro. Allele origin: not applicable. Functional consequence: skipped exon. Not counted in ClinVar's aggregate classification.

Dr. Peter K. Rogan Lab, Western University
No classification provided (evidence only). Condition: Colon adenocarcinoma. Review status: no classification provided. Collection method: in vitro. Allele origin: not applicable. Functional consequence: skipped exon, retained intron. Not counted in ClinVar's aggregate classification.

Dr. Peter K. Rogan Lab, Western University
No classification provided (evidence only). Condition: Colon adenocarcinoma. Review status: no classification provided. Collection method: in vitro. Allele origin: not applicable. Functional consequence: skipped exon. Not counted in ClinVar's aggregate classification.

Dr. Peter K. Rogan Lab, Western University
No classification provided (evidence only). Condition: Colon adenocarcinoma. Review status: no classification provided. Collection method: in vitro. Allele origin: not applicable. Functional consequence: skipped exon. Not counted in ClinVar's aggregate classification.

Dr. Peter K. Rogan Lab, Western University
No classification provided (evidence only). Condition: Colon adenocarcinoma. Review status: no classification provided. Collection method: in vitro. Allele origin: not applicable. Functional consequence: skipped exon. Not counted in ClinVar's aggregate classification.

Dr. Peter K. Rogan Lab, Western University
No classification provided (evidence only). Condition: Colon adenocarcinoma. Review status: no classification provided. Collection method: in vitro. Allele origin: not applicable. Functional consequence: retained intron. Not counted in ClinVar's aggregate classification.

Dr. Peter K. Rogan Lab, Western University
No classification provided (evidence only). Condition: Thyroid cancer, nonmedullary, 1. Review status: no classification provided. Collection method: in vitro. Allele origin: not applicable. Functional consequence: skipped exon. Not counted in ClinVar's aggregate classification.

Dr. Peter K. Rogan Lab, Western University
No classification provided (evidence only). Condition: Uterine corpus endometrial carcinoma. Review status: no classification provided. Collection method: in vitro. Allele origin: not applicable. Functional consequence: skipped exon. Not counted in ClinVar's aggregate classification.

Dr. Peter K. Rogan Lab, Western University
No classification provided (evidence only). Condition: Uterine corpus endometrial carcinoma. Review status: no classification provided. Collection method: in vitro. Allele origin: not applicable. Functional consequence: skipped exon, retained intron. Not counted in ClinVar's aggregate classification.

Dr. Peter K. Rogan Lab, Western University
No classification provided (evidence only). Condition: Cervical cancer. Review status: no classification provided. Collection method: in vitro. Allele origin: not applicable. Functional consequence: skipped exon, retained intron. Not counted in ClinVar's aggregate classification.

Dr. Peter K. Rogan Lab, Western University
No classification provided (evidence only). Condition: Cervical cancer. Review status: no classification provided. Collection method: in vitro. Allele origin: not applicable. Functional consequence: skipped exon. Not counted in ClinVar's aggregate classification.

Dr. Peter K. Rogan Lab, Western University
No classification provided (evidence only). Condition: Sarcoma. Review status: no classification provided. Collection method: in vitro. Allele origin: not applicable. Functional consequence: skipped exon. Not counted in ClinVar's aggregate classification.

Dr. Peter K. Rogan Lab, Western University
No classification provided (evidence only). Condition: Sarcoma. Review status: no classification provided. Collection method: in vitro. Allele origin: not applicable. Functional consequence: skipped exon. Not counted in ClinVar's aggregate classification.

Dr. Peter K. Rogan Lab, Western University
No classification provided (evidence only). Condition: Sarcoma. Review status: no classification provided. Collection method: in vitro. Allele origin: not applicable. Functional consequence: skipped exon. Not counted in ClinVar's aggregate classification.

Dr. Peter K. Rogan Lab, Western University
No classification provided (evidence only). Condition: Sarcoma. Review status: no classification provided. Collection method: in vitro. Allele origin: not applicable. Functional consequence: skipped exon. Not counted in ClinVar's aggregate classification.

Dr. Peter K. Rogan Lab, Western University
No classification provided (evidence only). Condition: Nonpapillary renal cell carcinoma. Review status: no classification provided. Collection method: in vitro. Allele origin: not applicable. Functional consequence: retained intron. Not counted in ClinVar's aggregate classification.

Dr. Peter K. Rogan Lab, Western University
No classification provided (evidence only). Condition: Nonpapillary renal cell carcinoma. Review status: no classification provided. Collection method: in vitro. Allele origin: not applicable. Functional consequence: skipped exon. Not counted in ClinVar's aggregate classification.

Dr. Peter K. Rogan Lab, Western University
No classification provided (evidence only). Condition: Ovarian serous cystadenocarcinoma. Review status: no classification provided. Collection method: in vitro. Allele origin: not applicable. Functional consequence: retained intron. Not counted in ClinVar's aggregate classification.

Dr. Peter K. Rogan Lab, Western University
No classification provided (evidence only). Condition: Ovarian serous cystadenocarcinoma. Review status: no classification provided. Collection method: in vitro. Allele origin: not applicable. Functional consequence: retained intron. Not counted in ClinVar's aggregate classification.

Dr. Peter K. Rogan Lab, Western University
No classification provided (evidence only). Condition: Ovarian serous cystadenocarcinoma. Review status: no classification provided. Collection method: in vitro. Allele origin: not applicable. Functional consequence: retained intron. Not counted in ClinVar's aggregate classification.

Dr. Peter K. Rogan Lab, Western University
No classification provided (evidence only). Condition: Adrenocortical carcinoma, hereditary. Review status: no classification provided. Collection method: in vitro. Allele origin: not applicable. Functional consequence: skipped exon. Not counted in ClinVar's aggregate classification.

Dr. Peter K. Rogan Lab, Western University
No classification provided (evidence only). Condition: Uveal melanoma. Review status: no classification provided. Collection method: in vitro. Allele origin: not applicable. Functional consequence: skipped exon. Not counted in ClinVar's aggregate classification.

Dr. Peter K. Rogan Lab, Western University
No classification provided (evidence only). Condition: Uveal melanoma. Review status: no classification provided. Collection method: in vitro. Allele origin: not applicable. Functional consequence: retained intron. Not counted in ClinVar's aggregate classification.

Dr. Peter K. Rogan Lab, Western University
No classification provided (evidence only). Condition: Malignant tumor of esophagus. Review status: no classification provided. Collection method: in vitro. Allele origin: not applicable. Functional consequence: skipped exon. Not counted in ClinVar's aggregate classification.

Dr. Peter K. Rogan Lab, Western University
No classification provided (evidence only). Condition: Familial pancreatic carcinoma. Review status: no classification provided. Collection method: in vitro. Allele origin: not applicable. Functional consequence: retained intron. Not counted in ClinVar's aggregate classification.

Dr. Peter K. Rogan Lab, Western University
No classification provided (evidence only). Condition: Ovarian cancer. Review status: no classification provided. Collection method: in vitro. Allele origin: not applicable. Functional consequence: skipped exon, retained intron. Not counted in ClinVar's aggregate classification.

Dr. Peter K. Rogan Lab, Western University
No classification provided (evidence only). Condition: Ovarian cancer. Review status: no classification provided. Collection method: in vitro. Allele origin: not applicable. Functional consequence: skipped exon, retained intron. Not counted in ClinVar's aggregate classification.